The following is an entry in ClinVar:

ClinVar aggregate classification (germline): Likely benign (0 of 4 stars; one submission).

Conditions:
ARID1A-related disorder. Also called: ARID1A-related condition.

Allele frequency attached by ClinVar (database versions not stated): gnomAD exomes below 0.00001; TOPMed 0.00001.
gnomAD v4.1: 7 of 1,614,140 alleles (0.00043%); highest among the groups gnomAD compares: African/African-American, 0.0093%; no homozygotes.

Submission:

PreventionGenetics, part of Exact Sciences
Classification: Likely benign for ARID1A-related condition. Last evaluated: 2019-09-04. Review status: no assertion criteria provided. Collection method: clinical testing. Allele origin: germline.
Comment: This variant is classified as likely benign based on ACMG/AMP sequence variant interpretation guidelines (Richards et al. 2015 PMID: 25741868, with internal and published modifications).

NM_006015.6(ARID1A):c.3567T>C (p.Asp1189=)

Genes: ARID1A (AT-rich interaction domain 1A; plus strand), LOC126805670 (CDK7 strongly-dependent group 2 enhancer GRCh37_chr1:27098665-27099864; plus strand). Cytogenetic location: 1p36.11.
Variant type: single nucleotide variant.
Coding change: c.3567T>C on transcript NM_006015.6 (MANE Select); coding-DNA position 3567, T replaced by C.
Protein change: p.Asp1189=; no amino-acid change (aspartic acid 1189 retained).
Molecular consequence: synonymous variant.
Genome position (GRCh38, 1-based): chr1:26,772,839, T>C. VCF-style: chr1-26772839-T-C. GRCh37 (hg19) VCF-style: chr1-27099330-T-C.
Other names: c.3567T>C, p.Asp1189= (NM_139135.4).
Identifiers: ClinVar variation 3052958 (VCV003052958.2), dbSNP rs1479841770, ClinGen allele CA416967573.
Genomic context (GRCh38, chr1:26,772,839, plus strand): 5'-TTTGTGGTTTACTTGGTTTTCCTCACTCTGGAGCAGGAGCAATTCAGTTGGGATCCAGGA[T>C]GCCTTTAATGATGGAAGTGACTCCACATTCCAGAAGCGGAATTCCATGACTCCAAACCCT-3'
Protein context (NP_006006.3, residues 1179-1199): MSRSNSVGIQ[Asp1189=]AFNDGSDSTF